The following is an entry in ClinVar:

NM_000313.4(PROS1):c.795C>A (p.Cys265Ter)

Gene: PROS1 (protein S; minus strand). Cytogenetic location: 3q11.1.
Variant type: single nucleotide variant.
Coding change: c.795C>A on transcript NM_000313.4 (MANE Select); coding-DNA position 795, C replaced by A.
Protein change: p.Cys265Ter; replaces cysteine 265 with a stop codon.
Molecular consequence: nonsense.
Genome position (GRCh38, 1-based): chr3:93,898,502, G>T on the plus strand (C>A on the coding strand, the complement: PROS1 is on the minus strand). VCF-style: chr3-93898502-G-T. GRCh37 (hg19) VCF-style: chr3-93617346-G-T.
Other names: c.891C>A, p.Cys297Ter (NM_001314077.2); short protein forms C265*, C297*.
Identifiers: ClinVar variation 4747321 (VCV004747321.1).

ClinVar aggregate classification (germline): Pathogenic (1 of 4 stars; one submission).

Conditions:
Thrombophilia due to protein S deficiency, autosomal recessive (THPH6). Identifiers: Orphanet 743, MedGen C3281092, MONDO:0013791, OMIM 614514. Disease mechanism: loss of function.

Submission:

Labcorp Genetics (formerly Invitae), Labcorp
Classification: Pathogenic for Thrombophilia due to protein S deficiency, autosomal recessive. Last evaluated: 2025-09-04. Review status: criteria provided, single submitter. Criteria: Invitae Variant Classification Sherloc (09022015). Collection method: clinical testing. Allele origin: germline.
Comment: This sequence change creates a premature translational stop signal (p.Cys265*) in the PROS1 gene. It is expected to result in an absent or disrupted protein product. Loss-of-function variants in PROS1 are known to be pathogenic (PMID: 9241758). This variant is not present in population databases (gnomAD no frequency). This premature translational stop signal has been observed in individual(s) with protein S deficiency (PMID: 20421270). This variant is also known as c.941C>A. For these reasons, this variant has been classified as Pathogenic.

Literature cited by the submitters: PubMed 9241758; PubMed 20421270.